The following is an entry in ClinVar:

NM_005045.4(RELN):c.4427C>T (p.Thr1476Ile)

Gene: RELN (reelin; minus strand). Cytogenetic location: 7q22.1.
Variant type: single nucleotide variant.
Coding change: c.4427C>T on transcript NM_005045.4 (MANE Select); coding-DNA position 4427, C replaced by T.
Protein change: p.Thr1476Ile; replaces threonine 1476 with isoleucine.
Molecular consequence: missense variant.
Genome position (GRCh38, 1-based): chr7:103,574,176, G>A on the plus strand (C>T on the coding strand, the complement: RELN is on the minus strand). VCF-style: chr7-103574176-G-A. GRCh37 (hg19) VCF-style: chr7-103214623-G-A.
Other names: c.4427C>T, p.Thr1476Ile (NM_173054.3); short protein forms T1476I.
Identifiers: ClinVar variation 2057433 (VCV002057433.4), dbSNP rs1830944662, ClinGen allele CA368750711.

ClinVar aggregate classification (germline): Uncertain significance (1 of 4 stars; one submission).

Conditions:
Familial temporal lobe epilepsy 7. Identifiers: Orphanet 101046, MedGen C4225327, MONDO:0014639, OMIM 616436.
Norman-Roberts syndrome (LIS2). Also called: Lissencephaly 2 (Norman-Roberts type). Identifiers: Orphanet 89844, MedGen C0796089, MONDO:0009760, OMIM 257320.

Allele frequency attached by ClinVar (database versions not stated): TOPMed below 0.00001; gnomAD exomes 0.00001.
gnomAD v4.1: 8 of 1,614,156 alleles (0.0005%); highest among the groups gnomAD compares: Non-Finnish European, 0.00068%; no homozygotes.

Submission:

Labcorp Genetics (formerly Invitae), Labcorp
Classification: Uncertain significance for Familial temporal lobe epilepsy 7; Norman-Roberts syndrome. Last evaluated: 2025-06-27. Review status: criteria provided, single submitter. Criteria: Invitae Variant Classification Sherloc (09022015). Collection method: clinical testing. Allele origin: germline.
Comment: This sequence change replaces threonine, which is neutral and polar, with isoleucine, which is neutral and non-polar, at codon 1476 of the RELN protein (p.Thr1476Ile). This variant is not present in population databases (gnomAD no frequency). This variant has not been reported in the literature in individuals affected with RELN-related conditions. ClinVar contains an entry for this variant (Variation ID: 2057433). Invitae Evidence Modeling of protein sequence and biophysical properties (such as structural, functional, and spatial information, amino acid conservation, physicochemical variation, residue mobility, and thermodynamic stability) indicates that this missense variant is not expected to disrupt RELN protein function with a negative predictive value of 80%. In summary, the available evidence is currently insufficient to determine the role of this variant in disease. Therefore, it has been classified as a Variant of Uncertain Significance.